The following is an entry in ClinVar:

NM_000059.4(BRCA2):c.4101del (p.Lys1367fs)

Gene: BRCA2 (BRCA2 DNA repair associated; plus strand). Cytogenetic location: 13q13.1.
Variant type: Deletion.
Coding change: c.4101del on transcript NM_000059.4 (MANE Select); coding-DNA position 4101, one base deleted (A; older notation c.4101delA).
Protein change: p.Lys1367fs; shifts the reading frame from lysine 1367.
Molecular consequence: frameshift variant.
Genome position (GRCh38, 1-based): chr13:32,338,456, A deleted; the last of 3 consecutive A bases (chr13:32,338,454-32,338,456); deleting any one gives the same sequence. VCF-style (leftmost placement, unchanged base first): chr13-32338453-TA-T. GRCh37 (hg19) VCF-style: chr13-32912590-TA-T.
Other names: 4329delA; c.4101delA (NM_000059.3).
Identifiers: ClinVar variation 51596 (VCV000051596.7), dbSNP rs397507705, ClinGen allele CA019531.

ClinVar aggregate classification (germline): Pathogenic. Review status: reviewed by expert panel (3 of 4 stars). 2 submissions from 2 submitters: Pathogenic (1). 1 of the submissions does not count toward it. Last evaluated 2016-10-18.

Conditions:
Breast-ovarian cancer, familial, susceptibility to, 2 (BROVCA2). Also called: BRCA2 Hereditary Breast and Ovarian Cancer. Identifiers: Orphanet 145, MedGen C2675520, MONDO:0012933, OMIM 612555. Disease mechanism: loss of function.

Submissions (2):

Evidence-based Network for the Interpretation of Germline Mutant Alleles (ENIGMA)
Classification: Pathogenic for Breast-ovarian cancer, familial, susceptibility to, 2. Last evaluated: 2016-10-18. Review status: reviewed by expert panel. Criteria: ENIGMA BRCA1/2 Classification Criteria (2015). Collection method: curation. Allele origin: germline.
Comment: Variant allele predicted to encode a truncated non-functional protein.

Consortium of Investigators of Modifiers of BRCA1/2 (CIMBA), c/o University of Cambridge
Classification: Pathogenic for Breast-ovarian cancer, familial, susceptibility to, 2. Last evaluated: 2015-10-02. Review status: criteria provided, single submitter. Criteria: CIMBA Mutation Classification guidelines May 2016. Collection method: clinical testing. Allele origin: germline. Not counted in ClinVar's aggregate classification.